The following is an entry in ClinVar:

ClinVar aggregate classification (germline): Uncertain significance (1 of 4 stars; one submission).

Submission:

GeneDx
Classification: Uncertain significance. Last evaluated: 2023-02-28. Review status: criteria provided, single submitter. Criteria: GeneDx Variant Classification Process June 2021. Collection method: clinical testing. Allele origin: germline. Affected: yes.
Comment: Not observed at significant frequency in large population cohorts (gnomAD); In silico analysis supports that this missense variant has a deleterious effect on protein structure/function; Has not been previously published as pathogenic or benign to our knowledge

NM_001008537.3(NEXMIF):c.1697C>T (p.Thr566Ile)

Gene: NEXMIF (neurite extension and migration factor; minus strand). Cytogenetic location: Xq13.3.
Variant type: single nucleotide variant.
Coding change: c.1697C>T on transcript NM_001008537.3 (MANE Select); coding-DNA position 1697, C replaced by T.
Protein change: p.Thr566Ile; replaces threonine 566 with isoleucine.
Molecular consequence: missense variant.
Genome position (GRCh38, 1-based): chrX:74,742,860, G>A on the plus strand (C>T on the coding strand, the complement: NEXMIF is on the minus strand). VCF-style: chrX-74742860-G-A. GRCh37 (hg19) VCF-style: chrX-73962695-G-A.
Other names: short protein forms T566I.
Identifiers: ClinVar variation 2578129 (VCV002578129.1), dbSNP rs2080111872, ClinGen allele CA413669901.